The following is an entry in ClinVar:

NM_022173.4(TIA1):c.1070A>G (p.Asn357Ser)

Gene: TIA1 (TIA1 cytotoxic granule associated RNA binding protein; minus strand). Cytogenetic location: 2p13.3.
Variant type: single nucleotide variant.
Coding change: c.1070A>G on transcript NM_022173.4 (MANE Select); coding-DNA position 1070, A replaced by G.
Protein change: p.Asn357Ser; replaces asparagine 357 with serine.
Molecular consequence: missense variant. On other transcripts: non-coding transcript variant (17).
Genome position (GRCh38, 1-based): chr2:70,212,810, T>C on the plus strand (A>G on the coding strand, the complement: TIA1 is on the minus strand). VCF-style: chr2-70212810-T-C. GRCh37 (hg19) VCF-style: chr2-70439942-T-C.
Other names: c.1067A>G, p.Asn356Ser (NM_001351508.2); c.1043A>G, p.Asn348Ser (NM_001351509.2); c.1034A>G, p.Asn345Ser (NM_001351510.2); c.959A>G, p.Asn320Ser (NM_001351511.1); c.932A>G, p.Asn311Ser (NM_001351512.1); c.926A>G, p.Asn309Ser (NM_001351513.1); c.842A>G, p.Asn281Ser (NM_001351514.2); c.767A>G, p.Asn256Ser (NM_001351515.2); and 3 more; short protein forms N357S, N217S, N256S, N320S, N346S, N348S, N281S, N216S.
Identifiers: ClinVar variation 261567 (VCV000261567.66), dbSNP rs116621885, ClinGen allele CA1697407.

ClinVar aggregate classification (germline): Conflicting classifications of pathogenicity. Review status: criteria provided, conflicting classifications (1 of 4 stars). 8 submissions from 8 submitters: Pathogenic (1); Uncertain significance (3); Benign (2); Likely benign (2). Last evaluated 2026-09-01.

Conditions:
TIA1-related disorder. Also called: TIA1-related condition.
Amyotrophic lateral sclerosis 26 with or without frontotemporal dementia. Identifiers: MedGen C5436882, MONDO:0030885, OMIM 619133.
Welander distal myopathy (WDM). Also called: Gower's muscular dystrophy; MUSCULAR DYSTROPHY, DISTAL, LATE-ONSET, AUTOSOMAL DOMINANT; Welander distal myopathy, Swedish type; Distal myopathy, Swedish type. Identifiers: Orphanet 603, MedGen C0221054, MONDO:0011466, OMIM 604454.

Allele frequency attached by ClinVar (database versions not stated): 1000 Genomes Project 0.00160; 1000 Genomes Project 30x 0.00172; TOPMed 0.00485; gnomAD 0.00569 and 0.00589; gnomAD exomes 0.00665 and 0.00737; ESP Exome Variant Server 0.00684; ExAC 0.00709.
gnomAD v4.1: 11,659 of 1,613,982 alleles (0.72%); highest among the groups gnomAD compares: South Asian, 0.96%; 76 homozygotes.

Submissions (8):

CeGaT Center for Human Genetics Tuebingen
Classification: Likely benign. Last evaluated: 2026-09-01. Review status: criteria provided, single submitter. Criteria: CeGaT Center For Human Genetics Tuebingen Variant Classification Criteria Version 2. Collection method: clinical testing. Allele origin: germline. Affected: yes. Observed: 60 variant alleles.
Comment: TIA1: BP4, BS2

PreventionGenetics, part of Exact Sciences
Classification: Pathogenic for TIA1-related condition. Last evaluated: 2026-06-18. Review status: criteria provided, single submitter. Criteria: ACMG Guidelines, 2015. Collection method: clinical testing. Allele origin: germline.
Comment: The TIA1 c.1070A>G variant is predicted to result in the amino acid substitution p.Asn357Ser. This variant has been reported in the heterozygous state in at least 15 individuals to cause a digenically inherited distal myopathy when in the presence of a pathogenic SQSTM1 variant (Evilä et al. 2016. PubMed ID: 26627873; Niu et al. 2018. PubMed ID: 29599744; Lee et al. 2018. PubMed ID: 29457785). Functional studies have shown that the c.1070A>G variant dictates a myodegenerative phenotype by disrupting stress granule homeostasis and ubiquitin-mediated autophagic degradation (Lee et al. 2018. PubMed ID: 29457785). Therefore, the c.1070A>G variant (whether heterozygous or homozygous) is only pathogenic for a myopathy phenotype when co-inherited with a pathogenic SQSTM1 variant.

Labcorp Genetics (formerly Invitae), Labcorp
Classification: Benign for Welander distal myopathy. Last evaluated: 2026-02-01. Review status: criteria provided, single submitter. Criteria: Invitae Variant Classification Sherloc (09022015). Collection method: clinical testing. Allele origin: germline.

Mayo Clinic Laboratories, Mayo Clinic
Classification: Uncertain significance. Last evaluated: 2025-11-11. Review status: criteria provided, single submitter. Criteria: ACMG Guidelines, 2015. Collection method: clinical testing. Allele origin: germline. Observed: 24 variant alleles.
Comment: BP4

Blueprint Genetics
Classification: Uncertain significance. Last evaluated: 2024-11-26. Review status: criteria provided, single submitter. Criteria: ACMG Guidelines, 2015. Collection method: clinical testing. Allele origin: germline.

Genomic Medicine Center of Excellence, King Faisal Specialist Hospital and Research Centre
Classification: Uncertain significance for Amyotrophic lateral sclerosis 26 with or without frontotemporal dementia. Last evaluated: 2024-03-26. Review status: criteria provided, single submitter. Criteria: ACMG Guidelines, 2015. Collection method: clinical testing. Allele origin: germline.

Athena Diagnostics
Classification: Benign. Last evaluated: 2023-12-01. Review status: criteria provided, single submitter. Criteria: Athena Diagnostics Criteria. Collection method: clinical testing. Allele origin: unknown.

GeneDx
Classification: Likely benign. Last evaluated: 2021-04-09. Review status: criteria provided, single submitter. Criteria: GeneDx Variant Classification Process June 2021. Collection method: clinical testing. Allele origin: germline. Affected: yes.
Comment: This variant is associated with the following publications: (PMID: 29886022, 29599744, 26627873, 29457785)

Literature cited by the submitters: PubMed 26627873 (cited by Mayo Clinic Laboratories, Mayo Clinic and Athena Diagnostics); PubMed 28490364 (cited by Mayo Clinic Laboratories, Mayo Clinic and Athena Diagnostics); PubMed 29457785 (cited by Mayo Clinic Laboratories, Mayo Clinic); PubMed 29599744 (cited by Mayo Clinic Laboratories, Mayo Clinic); PubMed 29886022 (cited by Mayo Clinic Laboratories, Mayo Clinic); PubMed 30171629 (cited by Mayo Clinic Laboratories, Mayo Clinic); PubMed 30348840 (cited by Mayo Clinic Laboratories, Mayo Clinic); PubMed 30756140 (cited by Mayo Clinic Laboratories, Mayo Clinic); PubMed 31626953 (cited by Mayo Clinic Laboratories, Mayo Clinic); PubMed 33145792 (cited by Mayo Clinic Laboratories, Mayo Clinic); PubMed 33723967 (cited by Mayo Clinic Laboratories, Mayo Clinic); PubMed 35525134 (cited by Mayo Clinic Laboratories, Mayo Clinic); PubMed 36035996 (cited by Mayo Clinic Laboratories, Mayo Clinic); PubMed 36861178 (cited by Mayo Clinic Laboratories, Mayo Clinic and Athena Diagnostics); PubMed 36998782 (cited by Mayo Clinic Laboratories, Mayo Clinic); PubMed 37628614 (cited by Mayo Clinic Laboratories, Mayo Clinic); PubMed 37926714 (cited by Mayo Clinic Laboratories, Mayo Clinic and Athena Diagnostics); PubMed 38016875 (cited by Mayo Clinic Laboratories, Mayo Clinic); PubMed 39142003 (cited by Mayo Clinic Laboratories, Mayo Clinic); PubMed 40413734 (cited by Mayo Clinic Laboratories, Mayo Clinic); PubMed 40847817 (cited by Mayo Clinic Laboratories, Mayo Clinic); PubMed 29970176 (cited by Athena Diagnostics).